The following is an entry in ClinVar:

NM_002439.5(MSH3):c.1505C>T (p.Ser502Phe)

Gene: MSH3 (mutS homolog 3; plus strand). Cytogenetic location: 5q14.1.
Variant type: single nucleotide variant.
Coding change: c.1505C>T on transcript NM_002439.5 (MANE Select); coding-DNA position 1505, C replaced by T.
Protein change: p.Ser502Phe; replaces serine 502 with phenylalanine.
Molecular consequence: missense variant.
Genome position (GRCh38, 1-based): chr5:80,728,902, C>T. VCF-style: chr5-80728902-C-T. GRCh37 (hg19) VCF-style: chr5-80024721-C-T.
Other names: short protein forms S502F.
Identifiers: ClinVar variation 3700352 (VCV003700352.2).

ClinVar aggregate classification (germline): Uncertain significance (1 of 4 stars; one submission).

Submission:

Labcorp Genetics (formerly Invitae), Labcorp
Classification: Uncertain significance. Last evaluated: 2025-02-02. Review status: criteria provided, single submitter. Criteria: Invitae Variant Classification Sherloc (09022015). Collection method: clinical testing. Allele origin: germline.
Comment: This sequence change replaces serine, which is neutral and polar, with phenylalanine, which is neutral and non-polar, at codon 502 of the MSH3 protein (p.Ser502Phe). This variant is not present in population databases (gnomAD no frequency). This variant has not been reported in the literature in individuals affected with MSH3-related conditions. An algorithm developed to predict the effect of missense changes on protein structure and function (PolyPhen-2) suggests that this variant is likely to be disruptive. In summary, the available evidence is currently insufficient to determine the role of this variant in disease. Therefore, it has been classified as a Variant of Uncertain Significance.